The following is an entry in ClinVar:

NM_001267550.2(TTN):c.101575T>G (p.Leu33859Val)

Genes: TTN (titin; minus strand), TTN-AS1 (TTN antisense RNA 1; plus strand). Cytogenetic location: 2q31.2.
Variant type: single nucleotide variant.
Coding change: c.101575T>G on transcript NM_001267550.2 (MANE Select); coding-DNA position 101575, T replaced by G.
Protein change: p.Leu33859Val; replaces leucine 33859 with valine.
Molecular consequence: missense variant.
Genome position (GRCh38, 1-based): chr2:178,535,040, A>C on the plus strand (T>G on the coding strand, the complement: TTN is on the minus strand). VCF-style: chr2-178535040-A-C. GRCh37 (hg19) VCF-style: chr2-179399767-A-C.
Other names: c.96652T>G, p.Leu32218Val (NM_001256850.1); c.74380T>G, p.Leu24794Val (NM_003319.4); c.93871T>G, p.Leu31291Val (NM_133378.4); c.74755T>G, p.Leu24919Val (NM_133432.3); c.74956T>G, p.Leu24986Val (NM_133437.4); short protein forms L24794V, L24919V, L31291V, L24986V, L32218V, L33859V.
Identifiers: ClinVar variation 4787352 (VCV004787352.1).

ClinVar aggregate classification (germline): Uncertain significance (1 of 4 stars; one submission).

Conditions:
Autosomal recessive limb-girdle muscular dystrophy type 2J (LGMDR10). Also called: Limb-girdle muscular dystrophy, type 2J; MUSCULAR DYSTROPHY, LIMB-GIRDLE, AUTOSOMAL RECESSIVE 10. Identifiers: Orphanet 140922, MedGen C1837342, MONDO:0012127, OMIM 608807.
Dilated cardiomyopathy 1G (CMD1G). Identifiers: Orphanet 154, MedGen C1858763, MONDO:0011400, OMIM 604145.

Submission:

Labcorp Genetics (formerly Invitae), Labcorp
Classification: Uncertain significance for Dilated cardiomyopathy 1G; Autosomal recessive limb-girdle muscular dystrophy type 2J. Last evaluated: 2026-01-26. Review status: criteria provided, single submitter. Criteria: Invitae Variant Classification Sherloc (09022015). Collection method: clinical testing. Allele origin: germline.
Comment: This sequence change replaces leucine, which is neutral and non-polar, with valine, which is neutral and non-polar, at codon 33859 of the TTN protein (p.Leu33859Val). This variant is not present in population databases (gnomAD no frequency). This variant has not been reported in the literature in individuals affected with TTN-related conditions. Experimental studies and prediction algorithms are not available or were not evaluated, and the functional significance of this variant is currently unknown. This variant is located in the M band of TTN (PMID: 25589632). Non-truncating variants in this region may be relevant for neuromuscular disorders, but have not been definitively shown to cause cardiomyopathy (PMID: 23975875). In summary, the available evidence is currently insufficient to determine the role of this variant in disease. Therefore, it has been classified as a Variant of Uncertain Significance.

Literature cited by the submitters: PubMed 25589632; PubMed 23975875.